The following is an entry in ClinVar:

ClinVar aggregate classification (germline): Uncertain significance. Review status: criteria provided, multiple submitters, no conflicts (2 of 4 stars). 2 submissions from 2 submitters: Uncertain significance (2). Last evaluated 2026-08-11.

Conditions:
C3-related disorder. Also called: C3-related condition.

Allele frequency attached by ClinVar (database versions not stated): TOPMed below 0.00001.

Submissions (2):

PreventionGenetics, part of Exact Sciences
Classification: Uncertain significance for C3-related condition. Last evaluated: 2026-08-11. Review status: criteria provided, single submitter. Criteria: ACMG Guidelines, 2015. Collection method: clinical testing. Allele origin: germline.
Comment: The C3 c.4073G>T variant is predicted to result in the amino acid substitution p.Cys1358Phe. To our knowledge, this variant has not been reported in the literature or in a large population database (gnomAD), indicating this variant is rare. At this time, the clinical significance of this variant is uncertain due to the absence of conclusive functional and genetic evidence.

Labcorp Genetics (formerly Invitae), Labcorp
Classification: Uncertain significance. Last evaluated: 2023-07-25. Review status: criteria provided, single submitter. Criteria: Invitae Variant Classification Sherloc (09022015). Collection method: clinical testing. Allele origin: germline.
Comment: In summary, the available evidence is currently insufficient to determine the role of this variant in disease. Therefore, it has been classified as a Variant of Uncertain Significance. Advanced modeling of protein sequence and biophysical properties (such as structural, functional, and spatial information, amino acid conservation, physicochemical variation, residue mobility, and thermodynamic stability) performed at Invitae indicates that this missense variant is expected to disrupt C3 protein function. This variant has not been reported in the literature in individuals affected with C3-related conditions. This variant is not present in population databases (gnomAD no frequency). This sequence change replaces cysteine, which is neutral and slightly polar, with phenylalanine, which is neutral and non-polar, at codon 1358 of the C3 protein (p.Cys1358Phe).

NM_000064.4(C3):c.4073G>T (p.Cys1358Phe)

Gene: C3 (complement C3; minus strand). Cytogenetic location: 19p13.3.
Variant type: single nucleotide variant.
Coding change: c.4073G>T on transcript NM_000064.4 (MANE Select); coding-DNA position 4073, G replaced by T.
Protein change: p.Cys1358Phe; replaces cysteine 1358 with phenylalanine.
Molecular consequence: missense variant.
Genome position (GRCh38, 1-based): chr19:6,684,607, C>A on the plus strand (G>T on the coding strand, the complement: C3 is on the minus strand). VCF-style: chr19-6684607-C-A. GRCh37 (hg19) VCF-style: chr19-6684618-C-A.
Other names: c.4073G>T (NM_000064.3); short protein forms C1358F.
Identifiers: ClinVar variation 2973024 (VCV002973024.4), dbSNP rs1416394143, ClinGen allele CA403617244.